The following is an entry in ClinVar:

NM_006206.6(PDGFRA):c.3157G>C (p.Gly1053Arg)

Gene: PDGFRA (platelet derived growth factor receptor alpha; plus strand). Cytogenetic location: 4q12.
Variant type: single nucleotide variant.
Coding change: c.3157G>C on transcript NM_006206.6 (MANE Select); coding-DNA position 3157, G replaced by C.
Protein change: p.Gly1053Arg; replaces glycine 1053 with arginine.
Molecular consequence: missense variant.
Genome position (GRCh38, 1-based): chr4:54,295,159, G>C. VCF-style: chr4-54295159-G-C. GRCh37 (hg19) VCF-style: chr4-55161326-G-C.
Other names: c.3232G>C, p.Gly1078Arg (NM_001347828.2); c.3157G>C, p.Gly1053Arg (NM_001347829.2); c.3196G>C, p.Gly1066Arg (NM_001347830.2); short protein forms G1053R, G1078R, G1066R.
Identifiers: ClinVar variation 3416411 (VCV003416411.1).

ClinVar aggregate classification (germline): Uncertain significance (1 of 4 stars; one submission).

Conditions:
Hereditary cancer-predisposing syndrome. Also called: Neoplastic Syndromes, Hereditary; Tumor predisposition; Hereditary Cancer Syndrome; Hereditary neoplastic syndrome. Identifiers: Orphanet 140162, MedGen C0027672, MeSH D009386, MONDO:0015356.

Submission:

Ambry Genetics
Classification: Uncertain significance for Hereditary cancer-predisposing syndrome. Last evaluated: 2024-08-22. Review status: criteria provided, single submitter. Criteria: Ambry Variant Classification Scheme 2023. Collection method: clinical testing. Allele origin: germline.
Comment: The p.G1053R variant (also known as c.3157G>C), located in coding exon 22 of the PDGFRA gene, results from a G to C substitution at nucleotide position 3157. The glycine at codon 1053 is replaced by arginine, an amino acid with dissimilar properties. This amino acid position is conserved. In addition, the in silico prediction for this alteration is inconclusive. Based on the available evidence, the clinical significance of this variant remains unclear.